The following is an entry in ClinVar:

ClinVar aggregate classification (germline): Likely benign. Review status: criteria provided, multiple submitters, no conflicts (2 of 4 stars). 3 submissions from 3 submitters: Likely benign (2). 1 of the submissions does not count toward it. Last evaluated 2025-02-06.

Conditions:
PCNT-related disorder. Also called: PCNT-related condition.

Allele frequency attached by ClinVar (database versions not stated): ExAC 0.00002; gnomAD exomes 0.00003 and 0.00015; TOPMed 0.00005; gnomAD 0.00006; ESP Exome Variant Server 0.00008.
gnomAD v4.1: 231 of 1,613,834 alleles (0.014%); highest among the groups gnomAD compares: Non-Finnish European, 0.018%; no homozygotes.

Submissions (3):

Labcorp Genetics (formerly Invitae), Labcorp
Classification: Likely benign. Last evaluated: 2025-02-06. Review status: criteria provided, single submitter. Criteria: Invitae Variant Classification Sherloc (09022015). Collection method: clinical testing. Allele origin: germline.

Genetic Services Laboratory, University of Chicago
Classification: Likely benign. Last evaluated: 2016-01-15. Review status: criteria provided, single submitter. Criteria: ACMG Guidelines, 2015. Collection method: clinical testing. Allele origin: germline. Affected: no.

PreventionGenetics, part of Exact Sciences
Classification: Likely benign for PCNT-related condition. Last evaluated: 2021-07-21. Review status: no assertion criteria provided. Collection method: clinical testing. Allele origin: germline. Not counted in ClinVar's aggregate classification.
Comment: This variant is classified as likely benign based on ACMG/AMP sequence variant interpretation guidelines (Richards et al. 2015 PMID: 25741868, with internal and published modifications).

NM_006031.6(PCNT):c.8569C>T (p.Leu2857=)

Gene: PCNT (pericentrin; plus strand). Cytogenetic location: 21q22.3.
Variant type: single nucleotide variant.
Coding change: c.8569C>T on transcript NM_006031.6 (MANE Select); coding-DNA position 8569, C replaced by T.
Protein change: p.Leu2857=; no amino-acid change (leucine 2857 retained).
Molecular consequence: synonymous variant. On other transcripts: intron variant (1).
Genome position (GRCh38, 1-based): chr21:46,432,033, C>T. VCF-style: chr21-46432033-C-T. GRCh37 (hg19) VCF-style: chr21-47851947-C-T.
Other names: c.8160+55C>T (NM_001315529.2).
Identifiers: ClinVar variation 436226 (VCV000436226.12), dbSNP rs375869631, ClinGen allele CA10080996.